The following is an entry in ClinVar:

NM_000038.6(APC):c.3973G>C (p.Ala1325Pro)

Gene: APC (APC regulator of Wnt signaling pathway; plus strand). Cytogenetic location: 5q22.2.
Variant type: single nucleotide variant.
Coding change: c.3973G>C on transcript NM_000038.6 (MANE Select); coding-DNA position 3973, G replaced by C.
Protein change: p.Ala1325Pro; replaces alanine 1325 with proline.
Molecular consequence: missense variant. On other transcripts: non-coding transcript variant (2).
Genome position (GRCh38, 1-based): chr5:112,839,567, G>C. VCF-style: chr5-112839567-G-C. GRCh37 (hg19) VCF-style: chr5-112175264-G-C.
Other names: c.3973G>C, p.Ala1325Pro (NM_001127510.3, NM_001354895.2, NM_001407450.1); c.3919G>C, p.Ala1307Pro (NM_001127511.3); c.4027G>C, p.Ala1343Pro (NM_001354896.2, NM_001407447.1, NM_001407448.1 and 1 more transcripts); c.4003G>C, p.Ala1335Pro (NM_001354897.2); c.3898G>C, p.Ala1300Pro (NM_001354898.2); c.3889G>C, p.Ala1297Pro (NM_001354899.2); c.3850G>C, p.Ala1284Pro (NM_001354900.2); c.3796G>C, p.Ala1266Pro (NM_001354901.2, NM_001407453.1); and 11 more; short protein forms A1042P, A1242P, A1266P, A1325P, A1335P, A1300P, A1307P, A1318P.
Identifiers: ClinVar variation 2452678 (VCV002452678.7), dbSNP rs2149903221, ClinGen allele CA16030044.

ClinVar aggregate classification (germline): Uncertain significance. Review status: criteria provided, multiple submitters, no conflicts (2 of 4 stars). 3 submissions from 3 submitters: Uncertain significance (3). Last evaluated 2025-02-21.

Conditions:
Hereditary cancer-predisposing syndrome. Also called: Neoplastic Syndromes, Hereditary; Tumor predisposition; Hereditary neoplastic syndrome; Hereditary Cancer Syndrome. Identifiers: Orphanet 140162, MedGen C0027672, MeSH D009386, MONDO:0015356.
Familial adenomatous polyposis 1 (FAP1). Also called: POLYPOSIS, ADENOMATOUS INTESTINAL; FAMILIAL ADENOMATOUS POLYPOSIS 1, ATTENUATED. Identifiers: MedGen C2713442, MONDO:0021056, OMIM 175100. Disease mechanism: loss of function.

Allele frequency attached by ClinVar (database versions not stated): gnomAD exomes below 0.00001.
gnomAD v4.1: 1 of 1,614,196 alleles (0.000062%); highest among the groups gnomAD compares: Non-Finnish European, 0.000085%; no homozygotes.

Submissions (3):

Ambry Genetics
Classification: Uncertain significance for Hereditary cancer-predisposing syndrome. Last evaluated: 2025-02-21. Review status: criteria provided, single submitter. Criteria: Ambry Variant Classification Scheme 2023. Collection method: clinical testing. Allele origin: germline.
Comment: The p.A1325P variant (also known as c.3973G>C), located in coding exon 15 of the APC gene, results from a G to C substitution at nucleotide position 3973. The alanine at codon 1325 is replaced by proline, an amino acid with highly similar properties. This amino acid position is not well conserved in available vertebrate species. In addition, in silico predictors for this gene do not accurately predict pathogenicity. Missense alterations in APC are not a common cause of disease (Spier I et al. Genet Med. 2024 Feb;26(2):100992). Based on the available evidence, the clinical significance of this variant remains unclear.

GeneDx
Classification: Uncertain significance. Last evaluated: 2023-11-06. Review status: criteria provided, single submitter. Criteria: GeneDx Variant Classification Process June 2021. Collection method: clinical testing. Allele origin: germline. Affected: yes.
Comment: Not observed at significant frequency in large population cohorts (gnomAD); In silico analysis supports that this missense variant does not alter protein structure/function; Has not been previously published as pathogenic or benign to our knowledge; This variant is associated with the following publications: (PMID: 18199528)

Labcorp Genetics (formerly Invitae), Labcorp
Classification: Uncertain significance for Familial adenomatous polyposis 1. Last evaluated: 2023-09-29. Review status: criteria provided, single submitter. Criteria: Invitae Variant Classification Sherloc (09022015). Collection method: clinical testing. Allele origin: germline.
Comment: In summary, the available evidence is currently insufficient to determine the role of this variant in disease. Therefore, it has been classified as a Variant of Uncertain Significance. Advanced modeling of protein sequence and biophysical properties (such as structural, functional, and spatial information, amino acid conservation, physicochemical variation, residue mobility, and thermodynamic stability) performed at Invitae indicates that this missense variant is not expected to disrupt APC protein function. ClinVar contains an entry for this variant (Variation ID: 2452678). This variant has not been reported in the literature in individuals affected with APC-related conditions. This variant is not present in population databases (gnomAD no frequency). This sequence change replaces alanine, which is neutral and non-polar, with proline, which is neutral and non-polar, at codon 1325 of the APC protein (p.Ala1325Pro).